The following is an entry in ClinVar:

NM_002528.7(NTHL1):c.395G>C (p.Ser132Thr)

Gene: NTHL1 (nth like DNA glycosylase 1; minus strand). Cytogenetic location: 16p13.3.
Variant type: single nucleotide variant.
Coding change: c.395G>C on transcript NM_002528.7 (MANE Select); coding-DNA position 395, G replaced by C.
Protein change: p.Ser132Thr; replaces serine 132 with threonine.
Molecular consequence: missense variant. On other transcripts: intron variant (1).
Genome position (GRCh38, 1-based): chr16:2,044,760, C>G on the plus strand (G>C on the coding strand, the complement: NTHL1 is on the minus strand). VCF-style: chr16-2044760-C-G. GRCh37 (hg19) VCF-style: chr16-2094761-C-G.
Other names: c.419G>C (NM_002528.5); c.395G>C, p.Ser132Thr (LRG_1366t1); c.65G>C, p.Ser22Thr (NM_001318194.2); c.355-1034G>C (NM_001318193.2); short protein forms S22T, S132T.
Identifiers: ClinVar variation 650458 (VCV000650458.8), dbSNP rs377360166, ClinGen allele CA7828271.

ClinVar aggregate classification (germline): Uncertain significance. Review status: criteria provided, multiple submitters, no conflicts (2 of 4 stars). 2 submissions from 2 submitters: Uncertain significance (2). Last evaluated 2025-01-21.

Conditions:
Hereditary cancer-predisposing syndrome. Also called: Neoplastic Syndromes, Hereditary; Tumor predisposition; Hereditary Cancer Syndrome; Hereditary neoplastic syndrome. Identifiers: Orphanet 140162, MedGen C0027672, MeSH D009386, MONDO:0015356.

Allele frequency attached by ClinVar (database versions not stated): TOPMed below 0.00001; ExAC 0.00001; gnomAD 0.00001; ESP Exome Variant Server 0.00008.
gnomAD v4.1: 2 of 1,611,692 alleles (0.00012%); highest among the groups gnomAD compares: Non-Finnish European, 0.000085%; no homozygotes.

Submissions (2):

Ambry Genetics
Classification: Uncertain significance for Hereditary cancer-predisposing syndrome. Last evaluated: 2025-01-21. Review status: criteria provided, single submitter. Criteria: Ambry Variant Classification Scheme 2023. Collection method: clinical testing. Allele origin: germline.
Comment: The p.S140T variant (also known as c.419G>C), located in coding exon 3 of the NTHL1 gene, results from a G to C substitution at nucleotide position 419. The serine at codon 140 is replaced by threonine, an amino acid with similar properties. This amino acid position is highly conserved in available vertebrate species. In addition, this alteration is predicted to be deleterious by in silico analysis. Based on the available evidence, the clinical significance of this variant remains unclear.

Labcorp Genetics (formerly Invitae), Labcorp
Classification: Uncertain significance. Last evaluated: 2018-09-03. Review status: criteria provided, single submitter. Criteria: Invitae Variant Classification Sherloc (09022015). Collection method: clinical testing. Allele origin: germline.
Comment: This variant has not been reported in the literature in individuals with NTHL1-related disease. Algorithms developed to predict the effect of missense changes on protein structure and function are either unavailable or do not agree on the potential impact of this missense change (SIFT: "Deleterious"; PolyPhen-2: "Possibly Damaging"; Align-GVGD: "Class C0"). In summary, the available evidence is currently insufficient to determine the role of this variant in disease. Therefore, it has been classified as a Variant of Uncertain Significance. This sequence change replaces serine with threonine at codon 140 of the NTHL1 protein (p.Ser140Thr). The serine residue is highly conserved and there is a small physicochemical difference between serine and threonine. This variant is present in population databases (rs377360166, ExAC 0.002%).